The following is an entry in ClinVar:

ClinVar aggregate classification (germline): Pathogenic (1 of 4 stars; one submission).

Conditions:
Glycogen storage disease, type II (IOPD). Also called: Pompe Disease; CARDIOMEGALIA GLYCOGENICA DIFFUSA; GLYCOGENOSIS, GENERALIZED, CARDIAC FORM; GSD II; POMPE DISEASE, INFANTILE-ONSET; GLYCOGEN STORAGE DISEASE II, INFANTILE-ONSET. Identifiers: Orphanet 365, MedGen C0017921, MONDO:0009290, OMIM 232300.

Submission:

Genomenon, Inc
Classification: Pathogenic for Glycogen storage disease, type II. Last evaluated: 2026-07-01. Review status: criteria provided, single submitter. Criteria: Genomenon Sequence Variant Interpretation Standards - Updated. Collection method: curation. Allele origin: germline. Affected: yes.
Comment: GAA c.2481+2T>C is a canonical splice variant affecting the donor splice site of intron 17. It is predicted to affect mRNA splicing, leading to a deleterious effect on the GAA protein. This variant has been observed in at least one proband with a GAA-related disorder (PMID:33168984;35787971). At least one splicing study has demonstrated that this variant results in aberrant splicing (PMID:33168984). It is absent or not present at a significant frequency in gnomAD. In conclusion, we classify GAA c.2481+2T>C as a pathogenic variant.

Literature cited by the submitters: PubMed 33168984; PubMed 35787971.

NM_000152.5(GAA):c.2481+2T>C

Gene: GAA (alpha glucosidase; plus strand). Cytogenetic location: 17q25.3.
Variant type: single nucleotide variant.
Coding change: c.2481+2T>C on transcript NM_000152.5 (MANE Select); the canonical splice donor site of the intron after coding-DNA position 2481, T replaced by C.
Molecular consequence: splice donor variant.
Genome position (GRCh38, 1-based): chr17:80,117,751, T>C. VCF-style: chr17-80117751-T-C. GRCh37 (hg19) VCF-style: chr17-78091550-T-C.
Other names: c.2481+2T>C (NM_001406741.1, NM_001406742.1, NM_001079803.3 and 1 more transcripts).
Identifiers: ClinVar variation 4876386 (VCV004876386.1).